The following is an entry in ClinVar:

NM_003748.4(ALDH4A1):c.453+10_453+13del

Gene: ALDH4A1 (aldehyde dehydrogenase 4 family member A1; minus strand). Cytogenetic location: 1p36.13.
Variant type: Deletion.
Coding change: c.453+10_453+13del on transcript NM_003748.4 (MANE Select); bases 10 to 13 of the intron after coding-DNA position 453, 4 bases deleted (TGGT; older notation c.453+10_453+13delTGGT).
Molecular consequence: intron variant.
Genome position (GRCh38, 1-based): chr1:18,885,460-18,885,463, ACCA deleted on the plus strand (TGGT on the coding strand, the reverse complement: ALDH4A1 is on the minus strand). VCF-style (leftmost placement, unchanged base first): chr1-18885459-CACCA-C. GRCh37 (hg19) VCF-style: chr1-19211953-CACCA-C.
Other names: c.453+10_453+13del (NM_001319218.2, NM_170726.3); c.273+10_273+13del (NM_001161504.2).
Identifiers: ClinVar variation 3036753 (VCV003036753.2), dbSNP rs2522598185, ClinGen allele CA521487619.

ClinVar aggregate classification (germline): Likely benign (0 of 4 stars; one submission).

Conditions:
ALDH4A1-related disorder. Also called: ALDH4A1-related condition.

Allele frequency attached by ClinVar (database versions not stated): gnomAD exomes below 0.00001.

Submission:

PreventionGenetics, part of Exact Sciences
Classification: Likely benign for ALDH4A1-related condition. Last evaluated: 2020-07-31. Review status: no assertion criteria provided. Collection method: clinical testing. Allele origin: germline.
Comment: This variant is classified as likely benign based on ACMG/AMP sequence variant interpretation guidelines (Richards et al. 2015 PMID: 25741868, with internal and published modifications).